The following is an entry in ClinVar:

NM_005477.3(HCN4):c.2868G>T (p.Glu956Asp)

Gene: HCN4 (hyperpolarization activated cyclic nucleotide gated potassium channel 4; minus strand). Cytogenetic location: 15q24.1.
Variant type: single nucleotide variant.
Coding change: c.2868G>T on transcript NM_005477.3 (MANE Select); coding-DNA position 2868, G replaced by T.
Protein change: p.Glu956Asp; replaces glutamic acid 956 with aspartic acid.
Molecular consequence: missense variant.
Genome position (GRCh38, 1-based): chr15:73,323,225, C>A on the plus strand (G>T on the coding strand, the complement: HCN4 is on the minus strand). VCF-style: chr15-73323225-C-A. GRCh37 (hg19) VCF-style: chr15-73615566-C-A.
Other names: short protein forms E956D.
Identifiers: ClinVar variation 3856989 (VCV003856989.1).

ClinVar aggregate classification (germline): Uncertain significance (1 of 4 stars; one submission).

Conditions:
Cardiovascular phenotype. Identifiers: MedGen CN230736.

Submission:

Ambry Genetics
Classification: Uncertain significance for Cardiovascular phenotype. Last evaluated: 2024-12-17. Review status: criteria provided, single submitter. Criteria: Ambry Variant Classification Scheme 2023. Collection method: clinical testing. Allele origin: germline.
Comment: The p.E956D variant (also known as c.2868G>T), located in coding exon 8 of the HCN4 gene, results from a G to T substitution at nucleotide position 2868. The glutamic acid at codon 956 is replaced by aspartic acid, an amino acid with highly similar properties. This amino acid position is conserved. In addition, this alteration is predicted to be tolerated by in silico analysis. Based on the available evidence, the clinical significance of this variant remains unclear.